The following is an entry in ClinVar:

NM_005609.4(PYGM):c.1620+3G>T

Gene: PYGM (glycogen phosphorylase, muscle associated; minus strand). Cytogenetic location: 11q13.1.
Variant type: single nucleotide variant.
Coding change: c.1620+3G>T on transcript NM_005609.4 (MANE Select); 3 bases into the intron after coding-DNA position 1620, G replaced by T.
Molecular consequence: intron variant.
Genome position (GRCh38, 1-based): chr11:64,752,400, C>A on the plus strand (G>T on the coding strand, the complement: PYGM is on the minus strand). VCF-style: chr11-64752400-C-A. GRCh37 (hg19) VCF-style: chr11-64519872-C-A.
Other names: c.1356+3G>T (NM_001164716.1).
Identifiers: ClinVar variation 432455 (VCV000432455.3), dbSNP rs548943016, ClinGen allele CA599653287.

ClinVar aggregate classification (germline): Uncertain significance. Review status: criteria provided, single submitter (1 of 4 stars). 2 submissions from 2 submitters: Uncertain significance (1). 1 of the submissions does not count toward it. Last evaluated 2017-06-05.

Conditions:
Glycogen storage disease, type V (GSD5). Also called: McArdle type glycogen storage disease; MCARDLE DISEASE; MUSCLE GLYCOGEN PHOSPHORYLASE DEFICIENCY; MYOPHOSPHORYLASE DEFICIENCY; PYGM DEFICIENCY. Identifiers: Orphanet 368, MedGen C0017924, MONDO:0009293, OMIM 232600.

Allele frequency attached by ClinVar (database versions not stated): gnomAD 0.00001.

Submissions (2):

GeneDx
Classification: Uncertain significance. Last evaluated: 2017-06-05. Review status: criteria provided, single submitter. Criteria: GeneDx Variant Classification (06012015). Collection method: clinical testing. Allele origin: germline. Affected: yes.
Comment: A variant of uncertain significance has been identified in the PYGM gene. The c.1620+3 G>T variant has not been published as a pathogenic variant, nor has it been reported as a benign variant to our knowledge. The c.1620+3 G>T variant is not observed in large population cohorts (Lek et al., 2016; 1000 Genomes Consortium et al., 2015; Exome Variant Server). Several in-silico splice prediction models predict that c.1620+3 G>T damages or destroys the natural splice donor site in intron 13 and may lead to abnormal gene splicing. However, in the absence of RNA/functional studies, the actual effect of this sequence change in this individual is unknown. Therefore, based on the currently available information, it is unclear whether this variant is a pathogenic variant or a rare benign variant.

Natera, Inc.
Classification: Uncertain significance for Glycogen storage disease V. Last evaluated: 2021-03-18. Review status: no assertion criteria provided. Collection method: clinical testing. Allele origin: germline. Not counted in ClinVar's aggregate classification.